The following is an entry in ClinVar:

NM_001253697.2(ERBIN):c.1084G>C (p.Glu362Gln)

Gene: ERBIN (erbb2 interacting protein; plus strand). Cytogenetic location: 5q12.3.
Variant type: single nucleotide variant.
Coding change: c.1084G>C on transcript NM_001253697.2 (MANE Select); coding-DNA position 1084, G replaced by C.
Protein change: p.Glu362Gln; replaces glutamic acid 362 with glutamine.
Molecular consequence: missense variant.
Genome position (GRCh38, 1-based): chr5:66,026,365, G>C. VCF-style: chr5-66026365-G-C. GRCh37 (hg19) VCF-style: chr5-65322193-G-C.
Other names: c.1084G>C, p.Glu362Gln (NM_001006600.3, NM_001253698.2, NM_001253699.2 and 2 more transcripts); short protein forms E362Q.
Identifiers: ClinVar variation 1369260 (VCV001369260.8), dbSNP rs1276627448, ClinGen allele CA359975607.

ClinVar aggregate classification (germline): Uncertain significance (1 of 4 stars; one submission).

Allele frequency attached by ClinVar (database versions not stated): gnomAD exomes below 0.00001; TOPMed below 0.00001; gnomAD 0.00001.
gnomAD v4.1: 4 of 1,601,534 alleles (0.00025%); highest among the groups gnomAD compares: Non-Finnish European, 0.00034%; no homozygotes.

Submission:

Labcorp Genetics (formerly Invitae), Labcorp
Classification: Uncertain significance. Last evaluated: 2021-02-03. Review status: criteria provided, single submitter. Criteria: Invitae Variant Classification Sherloc (09022015). Collection method: clinical testing. Allele origin: germline.
Comment: In summary, the available evidence is currently insufficient to determine the role of this variant in disease. Therefore, it has been classified as a Variant of Uncertain Significance. Algorithms developed to predict the effect of missense changes on protein structure and function are either unavailable or do not agree on the potential impact of this missense change (SIFT: "Deleterious"; PolyPhen-2: "Probably Damaging"; Align-GVGD: "Class C0"). This variant has not been reported in the literature in individuals with ERBIN-related conditions. This variant is not present in population databases (ExAC no frequency). This sequence change replaces glutamic acid with glutamine at codon 362 of the ERBIN protein (p.Glu362Gln). The glutamic acid residue is highly conserved and there is a small physicochemical difference between glutamic acid and glutamine.